The following is an entry in ClinVar:

NM_003384.3(VRK1):c.533T>C (p.Ile178Thr)

Gene: VRK1 (VRK serine/threonine kinase 1; plus strand). Cytogenetic location: 14q32.2.
Variant type: single nucleotide variant.
Coding change: c.533T>C on transcript NM_003384.3 (MANE Select); coding-DNA position 533, T replaced by C.
Protein change: p.Ile178Thr; replaces isoleucine 178 with threonine.
Molecular consequence: missense variant.
Genome position (GRCh38, 1-based): chr14:96,853,123, T>C. VCF-style: chr14-96853123-T-C. GRCh37 (hg19) VCF-style: chr14-97319460-T-C.
Other names: short protein forms I178T.
Identifiers: ClinVar variation 1450148 (VCV001450148.4), dbSNP rs1888016669, ClinGen allele CA390930581.

ClinVar aggregate classification (germline): Uncertain significance (1 of 4 stars; one submission).

Conditions:
Pontocerebellar hypoplasia type 1A (PCH1A). Also called: PONTOCEREBELLAR HYPOPLASIA WITH ANTERIOR HORN CELL DISEASE; PONTOCEREBELLAR HYPOPLASIA WITH INFANTILE SPINAL MUSCULAR ATROPHY. Identifiers: Orphanet 2254, Orphanet 88616, MedGen C1843504, MONDO:0011866, OMIM 607596.

Allele frequency attached by ClinVar (database versions not stated): TOPMed below 0.00001; gnomAD 0.00001.
gnomAD v4.1: 1 of 1,613,736 alleles (0.000062%); highest among the groups gnomAD compares: Non-Finnish European, 0.000085%; no homozygotes.

Submission:

Labcorp Genetics (formerly Invitae), Labcorp
Classification: Uncertain significance for Pontocerebellar hypoplasia type 1A. Last evaluated: 2021-12-17. Review status: criteria provided, single submitter. Criteria: Invitae Variant Classification Sherloc (09022015). Collection method: clinical testing. Allele origin: germline.
Comment: This sequence change replaces isoleucine, which is neutral and non-polar, with threonine, which is neutral and polar, at codon 178 of the VRK1 protein (p.Ile178Thr). This variant is not present in population databases (gnomAD no frequency). This variant has not been reported in the literature in individuals affected with VRK1-related conditions. Algorithms developed to predict the effect of missense changes on protein structure and function are either unavailable or do not agree on the potential impact of this missense change (SIFT: "Deleterious"; PolyPhen-2: "Probably Damaging"; Align-GVGD: "Class C0"). In summary, the available evidence is currently insufficient to determine the role of this variant in disease. Therefore, it has been classified as a Variant of Uncertain Significance.